The following is an entry in ClinVar:

NM_052947.4(ALPK2):c.6335T>C (p.Ile2112Thr)

Gene: ALPK2 (alpha kinase 2; minus strand). Cytogenetic location: 18q21.31.
Variant type: single nucleotide variant.
Coding change: c.6335T>C on transcript NM_052947.4 (MANE Select); coding-DNA position 6335, T replaced by C.
Protein change: p.Ile2112Thr; replaces isoleucine 2112 with threonine.
Molecular consequence: missense variant.
Genome position (GRCh38, 1-based): chr18:58,482,001, A>G on the plus strand (T>C on the coding strand, the complement: ALPK2 is on the minus strand). VCF-style: chr18-58482001-A-G. GRCh37 (hg19) VCF-style: chr18-56149233-A-G.
Other names: short protein forms I2112T.
Identifiers: ClinVar variation 1752919 (VCV001752919.2), dbSNP rs150798338, ClinGen allele CA8976170.
Genomic context (GRCh38, chr18:58,482,001, plus strand): 5'-GATTTCAGTCCCAGCATTTTGCAATACTTGTTACACTGGTGTAGTGCTTTAAACTGATCA[A>G]TGAAGGTCATGGAACAGTTGCCTTTAAATCCCTTGTACCTGTGAGTTTGGGTGGAAGGAA-3'
Protein context (NP_443179.3, residues 2102-2122): GFKGNCSMTF[Ile2112Thr]DQFKALHQCN

ClinVar aggregate classification (germline): Uncertain significance (1 of 4 stars; one submission).

Allele frequency attached by ClinVar (database versions not stated): ExAC 0.00008; TOPMed 0.00010; gnomAD 0.00011; gnomAD exomes 0.00018; ESP Exome Variant Server 0.00023.
gnomAD v4.1: 291 of 1,614,066 alleles (0.018%); highest among the groups gnomAD compares: South Asian, 0.033%; no homozygotes.

Submission:

Ambry Genetics
Classification: Uncertain significance. Last evaluated: 2022-09-08. Review status: criteria provided, single submitter. Criteria: Ambry Variant Classification Scheme 2023. Collection method: clinical testing. Allele origin: germline.
Comment: The p.I2112T variant (also known as c.6335T>C), located in coding exon 12 of the ALPK2 gene, results from a T to C substitution at nucleotide position 6335. The isoleucine at codon 2112 is replaced by threonine, an amino acid with similar properties. This amino acid position is conserved. In addition, the in silico prediction for this alteration is inconclusive. Since supporting evidence is limited at this time, the clinical significance of this alteration remains unclear.